The following is an entry in ClinVar:

NM_001267727.2(ARSG):c.532T>C (p.Cys178Arg)

Gene: ARSG (arylsulfatase G; plus strand). Cytogenetic location: 17q24.2.
Variant type: single nucleotide variant.
Coding change: c.532T>C on transcript NM_001267727.2 (MANE Select); coding-DNA position 532, T replaced by C.
Protein change: p.Cys178Arg; replaces cysteine 178 with arginine.
Molecular consequence: missense variant.
Genome position (GRCh38, 1-based): chr17:68,351,652, T>C. VCF-style: chr17-68351652-T-C. GRCh37 (hg19) VCF-style: chr17-66347793-T-C.
Other names: c.532T>C, p.Cys178Arg (NM_001352899.2, NM_001352900.2, NM_001352901.2 and 8 more transcripts); c.484T>C, p.Cys162Arg (NM_001352909.2); short protein forms C162R, C178R.
Identifiers: ClinVar variation 2129155 (VCV002129155.4), dbSNP rs750222555, ClinGen allele CA8728260.
Genomic context (GRCh38, chr17:68,351,652, plus strand): 5'-GGAATCCCATATAGCCATGATATGGGCTGTACTGATACTCCAGGCTACAACCACCCTCCT[T>C]GTCCAGCGTGTCCACAGGGTGATGGACCATCAAGGTAATGCTGTCTGACACATTTGCGAT-3'
Protein context (NP_001254656.1, residues 168-188): TDTPGYNHPP[Cys178Arg]PACPQGDGPS

ClinVar aggregate classification (germline): Uncertain significance (1 of 4 stars; one submission).

Allele frequency attached by ClinVar (database versions not stated): gnomAD exomes below 0.00001; ExAC 0.00001.
gnomAD v4.1: 2 of 1,613,568 alleles (0.00012%); highest among the groups gnomAD compares: Admixed American, 0.0017%; no homozygotes.

Submission:

Labcorp Genetics (formerly Invitae), Labcorp
Classification: Uncertain significance. Last evaluated: 2023-07-10. Review status: criteria provided, single submitter. Criteria: Invitae Variant Classification Sherloc (09022015). Collection method: clinical testing. Allele origin: germline.
Comment: This variant is present in population databases (rs750222555, gnomAD 0.003%). In summary, the available evidence is currently insufficient to determine the role of this variant in disease. Therefore, it has been classified as a Variant of Uncertain Significance. An algorithm developed to predict the effect of missense changes on protein structure and function (PolyPhen-2) suggests that this variant is likely to be disruptive. ClinVar contains an entry for this variant (Variation ID: 2129155). This variant has not been reported in the literature in individuals affected with ARSG-related conditions. This sequence change replaces cysteine, which is neutral and slightly polar, with arginine, which is basic and polar, at codon 178 of the ARSG protein (p.Cys178Arg).